The following is an entry in ClinVar:

NM_015450.3(POT1):c.1183G>A (p.Gly395Ser)

Gene: POT1 (protection of telomeres 1; minus strand). Cytogenetic location: 7q31.33.
Variant type: single nucleotide variant.
Coding change: c.1183G>A on transcript NM_015450.3 (MANE Select); coding-DNA position 1183, G replaced by A.
Protein change: p.Gly395Ser; replaces glycine 395 with serine.
Molecular consequence: missense variant. On other transcripts: non-coding transcript variant (3).
Genome position (GRCh38, 1-based): chr7:124,841,159, C>T on the plus strand (G>A on the coding strand, the complement: POT1 is on the minus strand). VCF-style: chr7-124841159-C-T. GRCh37 (hg19) VCF-style: chr7-124481213-C-T.
Other names: c.790G>A, p.Gly264Ser (NM_001042594.2); short protein forms G395S, G264S.
Identifiers: ClinVar variation 541870 (VCV000541870.27), dbSNP rs757373061, ClinGen allele CA4465192.
Genomic context (GRCh38, chr7:124,841,159, plus strand): 5'-TTTGTAGCTTGACATCTGGGGTTTTAGTTGCACCATCCTGAAAAATTATATCCAAATCGC[C>T]CTCATGTGGAACTTCTTGCCTAAAATTATTGGCAATGAAATGATAGAAATCGATTTTGGT-3'
Protein context (NP_056265.2, residues 385-405): CHLLQEVPHE[Gly395Ser]DLDIIFQDGA

ClinVar aggregate classification (germline): Conflicting classifications of pathogenicity. Review status: criteria provided, conflicting classifications (1 of 4 stars). 6 submissions from 6 submitters: Uncertain significance (5); Likely benign (1). Last evaluated 2025-12-01.

Conditions:
Tumor predisposition syndrome 3 (TPDS3). Also called: Glioma susceptibility 9; LONG TELOMERE SYNDROME, POT1-RELATED; POT1 Tumor Predisposition; Melanoma, cutaneous malignant, susceptibility to, 10. Identifiers: Orphanet 618, MedGen C4014476, MONDO:0014368, OMIM 615848.
Hereditary cancer-predisposing syndrome. Also called: Hereditary Cancer Syndrome; Neoplastic Syndromes, Hereditary; Hereditary neoplastic syndrome; Tumor predisposition. Identifiers: Orphanet 140162, MedGen C0027672, MeSH D009386, MONDO:0015356.

Allele frequency attached by ClinVar (database versions not stated): gnomAD exomes 0.00002; TOPMed 0.00001; ExAC 0.00002.
gnomAD v4.1: 14 of 1,611,702 alleles (0.00087%); highest among the groups gnomAD compares: East Asian, 0.0045%; no homozygotes.

Submissions (6):

Labcorp Genetics (formerly Invitae), Labcorp
Classification: Uncertain significance for Tumor predisposition syndrome 3. Last evaluated: 2025-12-01. Review status: criteria provided, single submitter. Criteria: Invitae Variant Classification Sherloc (09022015). Collection method: clinical testing. Allele origin: germline.
Comment: This sequence change replaces glycine, which is neutral and non-polar, with serine, which is neutral and polar, at codon 395 of the POT1 protein (p.Gly395Ser). This variant is present in population databases (rs757373061, gnomAD 0.003%). This missense change has been observed in individual(s) with brain oligodendroglioma (PMID: 34193977). ClinVar contains an entry for this variant (Variation ID: 541870). Invitae Evidence Modeling of protein sequence and biophysical properties (such as structural, functional, and spatial information, amino acid conservation, physicochemical variation, residue mobility, and thermodynamic stability) indicates that this missense variant is not expected to disrupt POT1 protein function with a negative predictive value of 80%. In summary, the available evidence is currently insufficient to determine the role of this variant in disease. Therefore, it has been classified as a Variant of Uncertain Significance.

Center for Genomic Medicine, Rigshospitalet, Copenhagen University Hospital
Classification: Uncertain significance. Last evaluated: 2025-03-04. Review status: criteria provided, single submitter. Criteria: ACMG Guidelines, 2015. Collection method: clinical testing. Allele origin: germline.

GeneDx
Classification: Uncertain significance. Last evaluated: 2024-01-22. Review status: criteria provided, single submitter. Criteria: GeneDx Variant Classification Process June 2021. Collection method: clinical testing. Allele origin: germline. Affected: yes.
Comment: Observed as a presumed germline variant in an individual with clonal hematopoiesis (PMID: 34193977); Not observed at significant frequency in large population cohorts (gnomAD); In silico analysis supports that this missense variant does not alter protein structure/function; This variant is associated with the following publications: (PMID: 28393830, 34193977)

Ambry Genetics
Classification: Likely benign for Hereditary cancer-predisposing syndrome. Last evaluated: 2023-10-30. Review status: criteria provided, single submitter. Criteria: Ambry Variant Classification Scheme 2023. Collection method: clinical testing. Allele origin: germline.

Fulgent Genetics
Classification: Uncertain significance for Tumor predisposition syndrome 3. Last evaluated: 2022-05-24. Review status: criteria provided, single submitter. Criteria: ACMG Guidelines, 2015. Collection method: clinical testing. Allele origin: unknown.

Institute for Clinical Genetics, University Hospital TU Dresden, University Hospital TU Dresden
Classification: Uncertain significance. Last evaluated: 2021-11-03. Review status: criteria provided, single submitter. Criteria: ACMG Guidelines, 2015. Collection method: clinical testing. Allele origin: germline.

Literature cited by the submitters: PubMed 34193977 (cited by Labcorp Genetics (formerly Invitae), Labcorp and Ambry Genetics).